The following is an entry in ClinVar:

NM_004356.4(CD81):c.160G>A (p.Ala54Thr)

Gene: CD81 (CD81 molecule; plus strand). Cytogenetic location: 11p15.5.
Variant type: single nucleotide variant.
Coding change: c.160G>A on transcript NM_004356.4 (MANE Select); coding-DNA position 160, G replaced by A.
Protein change: p.Ala54Thr; replaces alanine 54 with threonine.
Molecular consequence: missense variant. On other transcripts: 5 prime UTR variant (1).
Genome position (GRCh38, 1-based): chr11:2,390,505, G>A. VCF-style: chr11-2390505-G-A. GRCh37 (hg19) VCF-style: chr11-2411735-G-A.
Other names: c.-54G>A (NM_001297649.2, NM_001425129.1, NM_001425131.1 and 3 more transcripts); c.-50G>A (NM_001425130.1); c.160G>A, p.Ala54Thr (NM_001425135.1, NM_001425137.1); short protein forms A54T.
Identifiers: ClinVar variation 2988347 (VCV002988347.3), dbSNP rs1184752254, ClinGen allele CA379120756.

ClinVar aggregate classification (germline): Uncertain significance (1 of 4 stars; one submission).

Allele frequency attached by ClinVar (database versions not stated): gnomAD exomes 0.00001.
gnomAD v4.1: 10 of 1,612,554 alleles (0.00062%); highest among the groups gnomAD compares: South Asian, 0.0011%; no homozygotes.

Submission:

Labcorp Genetics (formerly Invitae), Labcorp
Classification: Uncertain significance. Last evaluated: 2024-05-29. Review status: criteria provided, single submitter. Criteria: Invitae Variant Classification Sherloc (09022015). Collection method: clinical testing. Allele origin: germline.
Comment: This sequence change replaces alanine, which is neutral and non-polar, with threonine, which is neutral and polar, at codon 54 of the CD81 protein (p.Ala54Thr). This variant is not present in population databases (gnomAD no frequency). This variant has not been reported in the literature in individuals affected with CD81-related conditions. An algorithm developed to predict the effect of missense changes on protein structure and function (PolyPhen-2) suggests that this variant is likely to be disruptive. In summary, the available evidence is currently insufficient to determine the role of this variant in disease. Therefore, it has been classified as a Variant of Uncertain Significance.